The following is an entry in ClinVar:

NM_018699.4(PRDM5):c.1351G>A (p.Val451Ile)

Gene: PRDM5 (PR/SET domain 5; minus strand). Cytogenetic location: 4q27.
Variant type: single nucleotide variant.
Coding change: c.1351G>A on transcript NM_018699.4 (MANE Select); coding-DNA position 1351, G replaced by A.
Protein change: p.Val451Ile; replaces valine 451 with isoleucine.
Molecular consequence: missense variant.
Genome position (GRCh38, 1-based): chr4:120,781,235, C>T on the plus strand (G>A on the coding strand, the complement: PRDM5 is on the minus strand). VCF-style: chr4-120781235-C-T. GRCh37 (hg19) VCF-style: chr4-121702390-C-T.
Other names: c.1258G>A, p.Val420Ile (NM_001300823.2, NM_001300824.2, NM_001379106.1); c.1384G>A, p.Val462Ile (NM_001379104.1); short protein forms V451I, V420I, V462I.
Identifiers: ClinVar variation 1770616 (VCV001770616.3), dbSNP rs941069418, ClinGen allele CA105117599.

ClinVar aggregate classification (germline): Uncertain significance (1 of 4 stars; one submission).

Conditions:
Cardiovascular phenotype. Identifiers: MedGen CN230736.

Allele frequency attached by ClinVar (database versions not stated): gnomAD exomes below 0.00001.
gnomAD v4.1: 5 of 1,613,058 alleles (0.00031%); highest among the groups gnomAD compares: East Asian, 0.0045%; no homozygotes.

Submission:

Ambry Genetics
Classification: Uncertain significance for Cardiovascular phenotype. Last evaluated: 2022-12-14. Review status: criteria provided, single submitter. Criteria: Ambry Variant Classification Scheme 2023. Collection method: clinical testing. Allele origin: germline.
Comment: The p.V451I variant (also known as c.1351G>A), located in coding exon 12 of the PRDM5 gene, results from a G to A substitution at nucleotide position 1351. The valine at codon 451 is replaced by isoleucine, an amino acid with highly similar properties. This amino acid position is not well conserved in available vertebrate species. In addition, this alteration is predicted to be tolerated by in silico analysis. Since supporting evidence is limited at this time, the clinical significance of this alteration remains unclear.